The following is an entry in ClinVar:

ClinVar aggregate classification (germline): Pathogenic (1 of 4 stars; one submission).

Conditions:
Bardet-Biedl syndrome (BBS). Identifiers: Orphanet 110, MedGen C0752166, MONDO:0015229.

gnomAD v4.1: 4 of 1,580,262 alleles (0.00025%); highest among the groups gnomAD compares: East Asian, 0.0022%; no homozygotes.

Submission:

Labcorp Genetics (formerly Invitae), Labcorp
Classification: Pathogenic for Bardet-Biedl syndrome. Last evaluated: 2024-06-09. Review status: criteria provided, single submitter. Criteria: Invitae Variant Classification Sherloc (09022015). Collection method: clinical testing. Allele origin: germline.
Comment: This sequence change creates a premature translational stop signal (p.Ser208*) in the BBS5 gene. It is expected to result in an absent or disrupted protein product. Loss-of-function variants in BBS5 are known to be pathogenic (PMID: 15137946, 16877420, 26325687, 27708425, 28041643, 29806606). This variant is not present in population databases (gnomAD no frequency). This variant has not been reported in the literature in individuals affected with BBS5-related conditions. For these reasons, this variant has been classified as Pathogenic.

Literature cited by the submitters: PubMed 15137946; PubMed 16877420; PubMed 26325687; PubMed 27708425; PubMed 28041643; PubMed 29806606.

NM_152384.3(BBS5):c.623C>G (p.Ser208Ter)

Gene: BBS5 (Bardet-Biedl syndrome 5; plus strand). Cytogenetic location: 2q31.1.
Variant type: single nucleotide variant.
Coding change: c.623C>G on transcript NM_152384.3 (MANE Select); coding-DNA position 623, C replaced by G.
Protein change: p.Ser208Ter; replaces serine 208 with a stop codon.
Molecular consequence: nonsense.
Genome position (GRCh38, 1-based): chr2:169,497,631, C>G. VCF-style: chr2-169497631-C-G. GRCh37 (hg19) VCF-style: chr2-170354141-C-G.
Other names: short protein forms S208*.
Identifiers: ClinVar variation 3679184 (VCV003679184.2).